The following is an entry in ClinVar:

ClinVar aggregate classification (germline): Likely benign. Review status: criteria provided, multiple submitters, no conflicts (2 of 4 stars). 2 submissions from 2 submitters: Likely benign (2). Last evaluated 2025-04-09.

Conditions:
Dilated cardiomyopathy 1Z (CMD1Z). Identifiers: Orphanet 154, MedGen C2678475, MONDO:0012745, OMIM 611879.
Hypertrophic cardiomyopathy 13. Also called: TNNC1-Related Familial Hypertrophic Cardiomyopathy. Identifiers: MedGen C2750472, MONDO:0013195, OMIM 613243.

Allele frequency attached by ClinVar (database versions not stated): gnomAD exomes below 0.00001; ExAC 0.00002.
gnomAD v4.1: 2 of 1,588,496 alleles (0.00013%); highest among the groups gnomAD compares: Non-Finnish European, 0.00017%; no homozygotes.

Submissions (2):

Molecular Diagnostic Laboratory for Inherited Cardiovascular Disease, Montreal Heart Institute
Classification: Likely benign. Last evaluated: 2025-04-09. Review status: criteria provided, single submitter. Criteria: ACMG Guidelines, 2015. Collection method: clinical testing. Allele origin: germline. Affected: no.
Comment: BP7

Labcorp Genetics (formerly Invitae), Labcorp
Classification: Likely benign for Hypertrophic cardiomyopathy 13; Dilated cardiomyopathy 1Z. Last evaluated: 2024-02-17. Review status: criteria provided, single submitter. Criteria: Invitae Variant Classification Sherloc (09022015). Collection method: clinical testing. Allele origin: germline.

NM_003280.3(TNNC1):c.18G>A (p.Lys6=)

Gene: TNNC1 (troponin C1, slow skeletal and cardiac type; minus strand). Cytogenetic location: 3p21.1.
Variant type: single nucleotide variant.
Coding change: c.18G>A on transcript NM_003280.3 (MANE Select); coding-DNA position 18, G replaced by A.
Protein change: p.Lys6=; no amino-acid change (lysine 6 retained).
Molecular consequence: synonymous variant.
Genome position (GRCh38, 1-based): chr3:52,453,998, C>T on the plus strand (G>A on the coding strand, the complement: TNNC1 is on the minus strand). VCF-style: chr3-52453998-C-T. GRCh37 (hg19) VCF-style: chr3-52488014-C-T.
Other names: c.18G>A (NM_003280.2).
Identifiers: ClinVar variation 1370469 (VCV001370469.9), dbSNP rs775249696, ClinGen allele CA2438608.